The following is an entry in ClinVar:

NM_001164508.2(NEB):c.2230_2231del (p.Pro744fs)

Gene: NEB (nebulin; minus strand). Cytogenetic location: 2q23.3.
Variant type: Deletion.
Coding change: c.2230_2231del on transcript NM_001164508.2 (MANE Select); coding-DNA positions 2230 to 2231, 2 bases deleted (CC; older notation c.2230_2231delCC).
Protein change: p.Pro744fs; shifts the reading frame from proline 744.
Molecular consequence: frameshift variant.
Genome position (GRCh38, 1-based): chr2:151,690,806-151,690,807, GG deleted on the plus strand (CC on the coding strand, the reverse complement: NEB is on the minus strand). VCF-style (leftmost placement, unchanged base first): chr2-151690805-TGG-T. GRCh37 (hg19) VCF-style: chr2-152547319-TGG-T.
Other names: c.2230_2231del, p.Pro744fs (NM_001164507.2, NM_001271208.2, NM_004543.5); short protein forms P744fs.
Identifiers: ClinVar variation 1726873 (VCV001726873.2), dbSNP rs2552267430, ClinGen allele CA2580064084.

ClinVar aggregate classification (germline): Likely pathogenic (1 of 4 stars; one submission).

Conditions:
Nemaline myopathy 2 (NEM2). Also called: Nemaline myopathy 2, autosomal recessive. Identifiers: MedGen C1850569, MONDO:0009725, OMIM 256030.

Submission:

Myriad Genetics, Inc.
Classification: Likely pathogenic for Nemaline myopathy 2. Last evaluated: 2022-01-02. Review status: criteria provided, single submitter. Criteria: Myriad Women's Health Autosomal Recessive and X-Linked Classification Criteria (2021). Collection method: clinical testing. Allele origin: unknown.
Comment: NM_001271208.1(NEB):c.2230_2231delCC(P744Rfs*2) is expected to be pathogenic in the context of NEB-related nemaline myopathy. This variant is predicted to lead to an abnormal or absent protein product due to the creation of a premature termination codon in NEB, a gene where loss-of-function variants are known to be pathogenic. Please note: this variant was assessed in the context of healthy population screening.